The following is an entry in ClinVar:

NM_021098.3(CACNA1H):c.3362C>G (p.Pro1121Arg)

Gene: CACNA1H (calcium voltage-gated channel subunit alpha1 H; plus strand). Cytogenetic location: 16p13.3.
Variant type: single nucleotide variant.
Coding change: c.3362C>G on transcript NM_021098.3 (MANE Select); coding-DNA position 3362, C replaced by G.
Protein change: p.Pro1121Arg; replaces proline 1121 with arginine.
Molecular consequence: missense variant.
Genome position (GRCh38, 1-based): chr16:1,208,220, C>G. VCF-style: chr16-1208220-C-G. GRCh37 (hg19) VCF-style: chr16-1258220-C-G.
Other names: c.3362C>G, p.Pro1121Arg (NM_001005407.2); short protein forms P1121R.
Identifiers: ClinVar variation 383342 (VCV000383342.2), dbSNP rs200832286, ClinGen allele CA16607108.

ClinVar aggregate classification (germline): Uncertain significance (1 of 4 stars; one submission).

gnomAD v4.1: 12 of 1,555,510 alleles (0.00077%); highest among the groups gnomAD compares: Non-Finnish European, 0.001%; no homozygotes.

Submission:

GeneDx
Classification: Uncertain significance. Last evaluated: 2016-02-12. Review status: criteria provided, single submitter. Criteria: GeneDx Variant Classification (06012015). Collection method: clinical testing. Allele origin: germline. Affected: yes.
Comment: The P1121R variant in the CACNA1H gene has not been reported previously as a pathogenic variant, nor as a benign variant, to our knowledge. This variant was not observed in approximately 6500 individuals of European and African American ancestry in the NHLBI Exome Sequencing Project, indicating it is not a common benign variant in these populations. The P1121R variant is a non-conservative amino acid substitution, which is likely to impact secondary protein structure as these residues differ in polarity, charge, size and/or other properties. This substitution occurs at a position that is not conserved. In silico analysis is inconsistent in its predictions as to whether or not the variant is damaging to the protein structure/function. We interpret P1121R as a variant of uncertain significance.